The following is an entry in ClinVar:

NM_006514.4(SCN10A):c.3692T>A (p.Ile1231Lys)

Gene: SCN10A (sodium voltage-gated channel alpha subunit 10; minus strand). Cytogenetic location: 3p22.2.
Variant type: single nucleotide variant.
Coding change: c.3692T>A on transcript NM_006514.4 (MANE Select); coding-DNA position 3692, T replaced by A.
Protein change: p.Ile1231Lys; replaces isoleucine 1231 with lysine.
Molecular consequence: missense variant.
Genome position (GRCh38, 1-based): chr3:38,714,070, A>T on the plus strand (T>A on the coding strand, the complement: SCN10A is on the minus strand). VCF-style: chr3-38714070-A-T. GRCh37 (hg19) VCF-style: chr3-38755561-A-T.
Other names: c.3689T>A, p.Ile1230Lys (NM_001293306.2); c.3398T>A, p.Ile1133Lys (NM_001293307.2); short protein forms I1230K, I1133K, I1231K.
Identifiers: ClinVar variation 4614899 (VCV004614899.1).

ClinVar aggregate classification (germline): Uncertain significance (1 of 4 stars; one submission).

Conditions:
Cardiovascular phenotype. Identifiers: MedGen CN230736.

Submission:

Ambry Genetics
Classification: Uncertain significance for Cardiovascular phenotype. Last evaluated: 2025-12-11. Review status: criteria provided, single submitter. Criteria: Ambry Variant Classification Scheme 2023. Collection method: clinical testing. Allele origin: germline.
Comment: The p.I1231K variant (also known as c.3692T>A), located in coding exon 21 of the SCN10A gene, results from a T to A substitution at nucleotide position 3692. The isoleucine at codon 1231 is replaced by lysine, an amino acid with dissimilar properties. This amino acid position is conserved. In addition, the in silico prediction for this alteration is inconclusive. Based on the available evidence, the clinical significance of this variant remains unclear.